The following is an entry in ClinVar:

NM_001081.4(CUBN):c.6749T>G (p.Ile2250Ser)

Gene: CUBN (cubilin; minus strand). Cytogenetic location: 10p13.
Variant type: single nucleotide variant.
Coding change: c.6749T>G on transcript NM_001081.4 (MANE Select); coding-DNA position 6749, T replaced by G.
Protein change: p.Ile2250Ser; replaces isoleucine 2250 with serine.
Molecular consequence: missense variant.
Genome position (GRCh38, 1-based): chr10:16,920,035, A>C on the plus strand (T>G on the coding strand, the complement: CUBN is on the minus strand). VCF-style: chr10-16920035-A-C. GRCh37 (hg19) VCF-style: chr10-16962034-A-C.
Other names: short protein forms I2250S.
Identifiers: ClinVar variation 2068598 (VCV002068598.4), dbSNP rs2491452696, ClinGen allele CA376148834.

ClinVar aggregate classification (germline): Uncertain significance (1 of 4 stars; one submission).

Conditions:
Imerslund-Grasbeck syndrome. Also called: ENTEROCYTE COBALAMIN MALABSORPTION; ENTEROCYTE INTRINSIC FACTOR RECEPTOR, DEFECT OF; PERNICIOUS ANEMIA, JUVENILE, DUE TO SELECTIVE INTESTINAL MALABSORPTION OF VITAMIN B12, WITH PROTEINURIA; Megaloblastic anemia due to inborn errors of metabolism; Imerslund-Gräsbeck syndrome. Identifiers: Orphanet 35858, MedGen C4551825, MONDO:0009853.

Submission:

Labcorp Genetics (formerly Invitae), Labcorp
Classification: Uncertain significance for Imerslund-Grasbeck syndrome. Last evaluated: 2022-01-01. Review status: criteria provided, single submitter. Criteria: Invitae Variant Classification Sherloc (09022015). Collection method: clinical testing. Allele origin: germline.
Comment: This sequence change replaces isoleucine, which is neutral and non-polar, with serine, which is neutral and polar, at codon 2250 of the CUBN protein (p.Ile2250Ser). This variant is not present in population databases (gnomAD no frequency). This variant has not been reported in the literature in individuals affected with CUBN-related conditions. Algorithms developed to predict the effect of missense changes on protein structure and function are either unavailable or do not agree on the potential impact of this missense change (SIFT: "Deleterious"; PolyPhen-2: "Benign"; Align-GVGD: "Class C0"). In summary, the available evidence is currently insufficient to determine the role of this variant in disease. Therefore, it has been classified as a Variant of Uncertain Significance.